The following is an entry in ClinVar:

NM_001379110.1(SLC9A6):c.1599A>C (p.Glu533Asp)

Gene: SLC9A6 (solute carrier family 9 member A6; plus strand). Cytogenetic location: Xq26.3.
Variant type: single nucleotide variant.
Coding change: c.1599A>C on transcript NM_001379110.1 (MANE Select); coding-DNA position 1599, A replaced by C.
Protein change: p.Glu533Asp; replaces glutamic acid 533 with aspartic acid.
Molecular consequence: missense variant.
Genome position (GRCh38, 1-based): chrX:136,033,431, A>C. VCF-style: chrX-136033431-A-C. GRCh37 (hg19) VCF-style: chrX-135115590-A-C.
Other names: p.E523D:GAA>GAC; c.1665A>C, p.Glu555Asp (NM_001042537.2); c.1509A>C, p.Glu503Asp (NM_001177651.2); c.1413A>C, p.Glu471Asp (NM_001330652.2); c.1569A>C, p.Glu523Asp (NM_006359.3); short protein forms E523D, E555D, E471D, E503D, E533D.
Identifiers: ClinVar variation 194394 (VCV000194394.9), dbSNP rs781949645, ClinGen allele CA240319.

ClinVar aggregate classification (germline): Conflicting classifications of pathogenicity. Review status: criteria provided, conflicting classifications (1 of 4 stars). 3 submissions from 3 submitters: Uncertain significance (2); Likely benign (1). Last evaluated 2025-02-10.

Conditions:
Christianson syndrome (MRXSCH). Also called: INTELLECTUAL DEVELOPMENTAL DISORDER, X-LINKED, SYNDROMIC, CHRISTIANSON TYPE; SLC9A6-Related Syndromic Mental Retardation; X-linked mental retardation, syndromic, Christianson type. Identifiers: Orphanet 85278, MedGen C2678194, MONDO:0010278, OMIM 300243.

Allele frequency attached by ClinVar (database versions not stated): gnomAD exomes below 0.00001 and 0.00003; ExAC 0.00001; gnomAD 0.00002; TOPMed 0.00004.
gnomAD v4.1: 7 of 1,176,143 alleles (0.0006%); highest among the groups gnomAD compares: East Asian, 0.022%; no homozygotes.

Submissions (3):

Labcorp Genetics (formerly Invitae), Labcorp
Classification: Likely benign for Christianson syndrome. Last evaluated: 2025-02-10. Review status: criteria provided, single submitter. Criteria: Invitae Variant Classification Sherloc (09022015). Collection method: clinical testing. Allele origin: germline.

Eurofins Ntd Llc (ga)
Classification: Uncertain significance. Last evaluated: 2014-07-03. Review status: criteria provided, single submitter. Criteria: EGL Classification Definitions 2015. Collection method: clinical testing. Allele origin: germline. Observed: 1 variant allele, 1 heterozygote.

GeneDx
Classification: Uncertain significance. Last evaluated: 2014-03-06. Review status: criteria provided, single submitter. Criteria: GeneDx Variant Classification (06012015). Collection method: clinical testing. Allele origin: germline. Affected: yes.
Comment: p.Glu523Asp (GAA>GAC): c.1569 A>C in exon 14 of the SLC9A6 gene (NM_006359.2) A variant of unknown significance has been identified in the SLC9A6 gene. The E523D variant has not been published as a mutation, nor has it been reported as a benign polymorphism to our knowledge. It was not observed in approximately 6,500 individuals of European and African American ancestry in the NHLBI Exome Sequencing Project, indicating it is not a common benign variant in these populations. The E523D variant is a conservative amino acid substitution, which is not likely to impact secondary protein structure as these residues share similar properties. In addition, other nearby missense mutations have not been reported in association with epilepsy. However, this substitution occurs at a position that is highly conserved across species. In silico analysis is inconsistent in its predictions as to whether or not the variant is damaging to the protein structure/function. Therefore, based on the currently available information, it is unclear whether this variant is a pathogenic mutation or a rare benign variant. The variant is found in CHILD-EPI panel(s).